The following is an entry in ClinVar:

ClinVar aggregate classification (germline): Likely benign. Review status: criteria provided, multiple submitters, no conflicts (2 of 4 stars). 3 submissions from 3 submitters: Likely benign (3). Last evaluated 2025-01-17.

Conditions:
ALK-related disorder. Also called: ALK-related condition.
Hereditary cancer-predisposing syndrome. Also called: Neoplastic Syndromes, Hereditary; Tumor predisposition; Hereditary Cancer Syndrome; Hereditary neoplastic syndrome. Identifiers: Orphanet 140162, MedGen C0027672, MeSH D009386, MONDO:0015356.
Neuroblastoma, susceptibility to, 3. Also called: ALK-Related Neuroblastic Tumor Susceptibility. Identifiers: Orphanet 635, MedGen C2751681, MONDO:0013083, OMIM 613014.

Allele frequency attached by ClinVar (database versions not stated): ExAC 0.00001; TOPMed 0.00001.
gnomAD v4.1: 1 of 1,614,084 alleles (0.000062%); highest among the groups gnomAD compares: African/African-American, 0.0013%; no homozygotes.

Submissions (3):

PreventionGenetics, part of Exact Sciences
Classification: Likely benign for ALK-related condition. Last evaluated: 2025-01-17. Review status: criteria provided, single submitter. Criteria: ACMG Guidelines, 2015. Collection method: clinical testing. Allele origin: germline.
Comment: This variant is classified as likely benign based on ACMG/AMP sequence variant interpretation guidelines (Richards et al. 2015 PMID: 25741868, with internal and published modifications).

Labcorp Genetics (formerly Invitae), Labcorp
Classification: Likely benign for Neuroblastoma, susceptibility to, 3. Last evaluated: 2024-12-26. Review status: criteria provided, single submitter. Criteria: Invitae Variant Classification Sherloc (09022015). Collection method: clinical testing. Allele origin: germline.

Ambry Genetics
Classification: Likely benign for Hereditary cancer-predisposing syndrome. Last evaluated: 2023-07-09. Review status: criteria provided, single submitter. Criteria: Ambry Variant Classification Scheme 2023. Collection method: clinical testing. Allele origin: germline.

NM_004304.5(ALK):c.588G>C (p.Ser196=)

Gene: ALK (ALK receptor tyrosine kinase; minus strand). Cytogenetic location: 2p23.1.
Variant type: single nucleotide variant.
Coding change: c.588G>C on transcript NM_004304.5 (MANE Select); coding-DNA position 588, G replaced by C.
Protein change: p.Ser196=; no amino-acid change (serine 196 retained).
Molecular consequence: synonymous variant.
Genome position (GRCh38, 1-based): chr2:29,920,072, C>G on the plus strand (G>C on the coding strand, the complement: ALK is on the minus strand). VCF-style: chr2-29920072-C-G. GRCh37 (hg19) VCF-style: chr2-30142938-C-G.
Identifiers: ClinVar variation 724813 (VCV000724813.13), dbSNP rs781350285, ClinGen allele CA1594937.
Genomic context (GRCh38, chr2:29,920,072, plus strand): 5'-GAGAAGGCGGGGCTGGGAGGCGCGAATTGCCGCGGACAGCCTTCCCTCTCTGCCCACTTC[C>G]GACGCCTTCTTCTCGGGCATCAGGCGGATCCTCAGTCGCCCTTCGCCTTGGCGAATCCAC-3'
Protein context (NP_004295.2, residues 186-206): RIRLMPEKKA[Ser196=]EVGREGRLSA